The following is an entry in ClinVar:

ClinVar aggregate classification (germline): Uncertain significance (1 of 4 stars; one submission).

Conditions:
Cystic fibrosis (CF). Also called: MUCOVISCIDOSIS. Identifiers: Orphanet 586, MedGen C0010674, MONDO:0009061, OMIM 219700. Disease mechanism: loss of function.

gnomAD v4.1: 4 of 152,200 alleles (0.0026%); highest among the groups gnomAD compares: East Asian, 0.039%; no homozygotes.

Submission:

Johns Hopkins Genomics, Johns Hopkins University
Classification: Uncertain significance for Cystic fibrosis. Last evaluated: 2024-07-12. Review status: criteria provided, single submitter. Criteria: ACMG Guidelines, 2015. Collection method: clinical testing. Allele origin: germline.
Comment: PM2

NM_000492.4(CFTR):c.3717+4129G>A

Genes: CFTR (CF transmembrane conductance regulator; plus strand), CFTR-AS2 (CFTR antisense RNA 2; minus strand). Cytogenetic location: 7q31.2.
Variant type: single nucleotide variant.
Coding change: c.3717+4129G>A on transcript NM_000492.4 (MANE Select); 4129 bases into the intron after coding-DNA position 3717, G replaced by A.
Molecular consequence: intron variant.
Genome position (GRCh38, 1-based): chr7:117,631,899, G>A. VCF-style: chr7-117631899-G-A. GRCh37 (hg19) VCF-style: chr7-117271953-G-A.
Identifiers: ClinVar variation 4280045 (VCV004280045.1).